The following is an entry in ClinVar:

NM_000069.3(CACNA1S):c.1369C>T (p.Pro457Ser)

Gene: CACNA1S (calcium voltage-gated channel subunit alpha1 S; minus strand). Cytogenetic location: 1q32.1.
Variant type: single nucleotide variant.
Coding change: c.1369C>T on transcript NM_000069.3 (MANE Select); coding-DNA position 1369, C replaced by T.
Protein change: p.Pro457Ser; replaces proline 457 with serine.
Molecular consequence: missense variant.
Genome position (GRCh38, 1-based): chr1:201,083,186, G>A on the plus strand (C>T on the coding strand, the complement: CACNA1S is on the minus strand). VCF-style: chr1-201083186-G-A. GRCh37 (hg19) VCF-style: chr1-201052314-G-A.
Other names: short protein forms P457S.
Identifiers: ClinVar variation 423703 (VCV000423703.17), dbSNP rs372374492, ClinGen allele CA078164.

ClinVar aggregate classification (germline): Conflicting classifications of pathogenicity. Review status: criteria provided, conflicting classifications (1 of 4 stars). 5 submissions from 5 submitters: Uncertain significance (4); Benign (1). Last evaluated 2025-05-07.

Conditions:
Hypokalemic periodic paralysis, type 1. Also called: Hypokalemic Periodic Paralysis Type 1 (AD); HypoPP. Identifiers: Orphanet 681, MedGen C3714580, MONDO:0042979, OMIM 170400.
Malignant hyperthermia, susceptibility to, 5 (MHS5). Also called: CACNA1S-Related Malignant Hyperthermia Susceptibility. Identifiers: Orphanet 423, MedGen C1866077, MONDO:0011163, OMIM 601887.
Inborn genetic diseases. Identifiers: MedGen C0950123, MeSH D030342.
Thyrotoxic periodic paralysis, susceptibility to, 1 (TTPP1). Identifiers: Orphanet 79102, MedGen C2749982, MONDO:0008570, OMIM 188580.

Allele frequency attached by ClinVar (database versions not stated): gnomAD exomes below 0.00001; ExAC 0.00001; gnomAD 0.00001; TOPMed 0.00003; ESP Exome Variant Server 0.00008.
gnomAD v4.1: 11 of 1,614,082 alleles (0.00068%); highest among the groups gnomAD compares: African/African-American, 0.0093%; no homozygotes.

Submissions (5):

Ambry Genetics
Classification: Uncertain significance for Inborn genetic diseases. Last evaluated: 2025-05-07. Review status: criteria provided, single submitter. Criteria: Ambry Variant Classification Scheme 2023. Collection method: clinical testing. Allele origin: germline.

Labcorp Genetics (formerly Invitae), Labcorp
Classification: Benign for Hypokalemic periodic paralysis, type 1; Malignant hyperthermia, susceptibility to, 5. Last evaluated: 2025-02-04. Review status: criteria provided, single submitter. Criteria: Invitae Variant Classification Sherloc (09022015). Collection method: clinical testing. Allele origin: germline.

All of Us Research Program, National Institutes of Health
Classification: Uncertain significance for Malignant hyperthermia, susceptibility to, 5. Last evaluated: 2024-07-10. Review status: criteria provided, single submitter. Criteria: ACMG Guidelines, 2015. Collection method: clinical testing. Allele origin: germline. Inheritance: Autosomal dominant inheritance. Observed: 8 variant alleles, 8 heterozygotes.
Comment: This missense variant replaces proline with serine at codon 457 of the CACNA1S protein. Computational prediction is inconclusive regarding the impact of this variant on protein structure and function (internally defined REVEL score threshold 0.5 < inconclusive < 0.7, PMID: 27666373). To our knowledge, functional studies have not been reported for this variant. This variant has not been reported in individuals affected with CACNA1S-related disorders in the literature. This variant has been identified in 1/251368 chromosomes in the general population by the Genome Aggregation Database (gnomAD). The available evidence is insufficient to determine the role of this variant in disease conclusively. Therefore, this variant is classified as a Variant of Uncertain Significance.

This study involves interpretation of variants in research participants for the purpose of population health screening. Participant phenotype was not available at the time of variant classification. Additional details can be found in publication PMID: 35346344, PMCID: PMC8962531

Fulgent Genetics
Classification: Uncertain significance for Hypokalemic periodic paralysis, type 1; Thyrotoxic periodic paralysis, susceptibility to, 1; Malignant hyperthermia, susceptibility to, 5. Last evaluated: 2022-05-26. Review status: criteria provided, single submitter. Criteria: ACMG Guidelines, 2015. Collection method: clinical testing. Allele origin: unknown.

GeneDx
Classification: Uncertain significance. Last evaluated: 2017-02-28. Review status: criteria provided, single submitter. Criteria: GeneDx Variant Classification (06012015). Collection method: clinical testing. Allele origin: germline. Affected: yes.
Comment: A variant of uncertain significance has been identified in the CACNA1S gene. The P457S variant has not been published as a pathogenic variant, nor has it been reported as a benign variant to our knowledge. The P457S variant is not observed at a significant frequency in large population cohorts (Lek et al., 2016; 1000 Genomes Consortium et al., 2015; Exome Variant Server). The P457S variant is a non-conservative amino acid substitution, which is likely to impact secondary protein structure as these residues differ in polarity, charge, size and/or other properties. This substitution occurs at a position that is conserved across species, and in silico analysis predicts this variant is probably damaging to the protein structure/function. However, missense variants in nearby residues have not been reported in the Human Gene Mutation Database in association with CACNA1S-related disorders (Stenson et al., 2014). Therefore, based on the currently available information, it is unclear whether this variant is a pathogenic variant or a rare benign variant.